The following is an entry in ClinVar:

NM_001005242.3(PKP2):c.1034+1G>T

Gene: PKP2 (plakophilin 2; minus strand). Cytogenetic location: 12p11.21.
Variant type: single nucleotide variant.
Coding change: c.1034+1G>T on transcript NM_001005242.3 (MANE Select); the canonical splice donor site of the intron after coding-DNA position 1034, G replaced by T.
Molecular consequence: splice donor variant.
Genome position (GRCh38, 1-based): chr12:32,877,845, C>A on the plus strand (G>T on the coding strand, the complement: PKP2 is on the minus strand). VCF-style: chr12-32877845-C-A. GRCh37 (hg19) VCF-style: chr12-33030779-C-A.
Other names: c.1034+1G>T (NM_001407156.1, NM_001407155.1, NM_004572.4 and 2 more transcripts); c.707+1G>T (NM_001407160.1, NM_001407159.1, NM_001407158.1 and 1 more transcripts).
Identifiers: ClinVar variation 228286 (VCV000228286.14), dbSNP rs869025496, ClinGen allele CA10576923.

ClinVar aggregate classification (germline): Likely pathogenic. Review status: criteria provided, multiple submitters, no conflicts (2 of 4 stars). 3 submissions from 3 submitters: Likely pathogenic (3). Last evaluated 2026-06-29.

Conditions:
Cardiovascular phenotype. Identifiers: MedGen CN230736.
Cardiomyopathy (CMYO). Also called: Cardiomyopathies. Identifiers: Orphanet 167848, MedGen C0878544, MONDO:0004994, HP:0001638. Inheritance: Various modes of inheritance.
Arrhythmogenic right ventricular dysplasia 9 (ARVD9). Also called: Arrhythmogenic Right Ventricular Dysplasia/Cardiomyopathy 9; ARRHYTHMOGENIC RIGHT VENTRICULAR DYSPLASIA, FAMILIAL, 9. Identifiers: MedGen C1836906, MONDO:0012180, OMIM 609040.

Submissions (3):

Ambry Genetics
Classification: Likely pathogenic for Cardiovascular phenotype. Last evaluated: 2026-06-29. Review status: criteria provided, single submitter. Criteria: Ambry Variant Classification Scheme 2023. Collection method: clinical testing. Allele origin: germline.
Comment: The c.1034+1G>T intronic variant results from a G to T substitution one nucleotide after coding exon 3 of the PKP2 gene. This variant was reported in individual(s) with features consistent with arrhythmogenic right ventricular cardiomyopathy (ARVC) (DeWitt ES et al. J Am Coll Cardiol, 2019 Jul;74:346-358; Quiat D et al. J Am Heart Assoc, 2020 Jun;9:e016195). This variant is considered to be rare based on population cohorts in the Genome Aggregation Database (gnomAD). This nucleotide position is highly conserved in available vertebrate species. In silico splice site analysis predicts that this alteration will weaken the native splice donor site. Variants that disrupt the canonical splice site are expected to cause aberrant splicing, resulting in an abnormal protein or a transcript that is subject to nonsense-mediated mRNA decay. As such, this variant is classified as likely pathogenic.

Labcorp Genetics (formerly Invitae), Labcorp
Classification: Likely pathogenic for Arrhythmogenic right ventricular dysplasia 9. Last evaluated: 2025-09-15. Review status: criteria provided, single submitter. Criteria: Invitae Variant Classification Sherloc (09022015). Collection method: clinical testing. Allele origin: germline.
Comment: This sequence change affects a donor splice site in intron 3 of the PKP2 gene. It is expected to disrupt RNA splicing. Variants that disrupt the donor or acceptor splice site typically lead to a loss of protein function (PMID: 16199547), and loss-of-function variants in PKP2 are known to be pathogenic (PMID: 15489853, 17041889, 23911551). This variant is not present in population databases (gnomAD no frequency). Disruption of this splice site has been observed in individual(s) with arrhythmogenic cardiomyopathy or dilated cardiomyopathy (PMID: 31319917, 32372669, 32458740). ClinVar contains an entry for this variant (Variation ID: 228286). Algorithms developed to predict the effect of sequence changes on RNA splicing suggest that this variant may disrupt the consensus splice site. In summary, the currently available evidence indicates that the variant is pathogenic, but additional data are needed to prove that conclusively. Therefore, this variant has been classified as Likely Pathogenic.

Laboratory for Molecular Medicine, Mass General Brigham Personalized Medicine
Classification: Likely pathogenic for Cardiomyopathy. Last evaluated: 2016-03-10. Review status: criteria provided, single submitter. Criteria: LMM Criteria. Collection method: clinical testing. Allele origin: germline. Observed: 1 variant allele.
Comment: The c.1034+1G>T variant in PKP2 has not been previously reported in individuals with cardiomyopathy or in large population studies. This variant occurs in the i nvariant region (+/- 1,2) of the splice consensus sequence and is predicted to c ause altered splicing leading to an abnormal or absent protein. Splicing variant s and other truncating variants in PKP2 are well-reported in individuals with AR VC (ARVD/C Genetic Variant Database; Human Gene Mutati on Database). In summary, although additional studies are required to fully esta blish its clinical significance, the c.1034+1G>T variant is likely pathogenic.

Literature cited by the submitters: PubMed 31319917 (cited by Ambry Genetics and Labcorp Genetics (formerly Invitae), Labcorp); PubMed 32372669 (cited by Ambry Genetics and Labcorp Genetics (formerly Invitae), Labcorp); PubMed 32458740 (cited by Ambry Genetics and Labcorp Genetics (formerly Invitae), Labcorp); PubMed 16199547 (cited by Labcorp Genetics (formerly Invitae), Labcorp); PubMed 15489853 (cited by Labcorp Genetics (formerly Invitae), Labcorp); PubMed 17041889 (cited by Labcorp Genetics (formerly Invitae), Labcorp); PubMed 23911551 (cited by Labcorp Genetics (formerly Invitae), Labcorp).